The following is an entry in ClinVar:

ClinVar aggregate classification (germline): Uncertain significance (1 of 4 stars; one submission).

Conditions:
Alzheimer disease 4 (AD4). Identifiers: Orphanet 1020, MedGen C1847200, MONDO:0011743, OMIM 606889.

Submission:

Labcorp Genetics (formerly Invitae), Labcorp
Classification: Uncertain significance for Alzheimer disease 4. Last evaluated: 2023-06-13. Review status: criteria provided, single submitter. Criteria: Invitae Variant Classification Sherloc (09022015). Collection method: clinical testing. Allele origin: germline.
Comment: This sequence change replaces tryptophan, which is neutral and slightly polar, with glycine, which is neutral and non-polar, at codon 47 of the PSEN2 protein (p.Trp47Gly). This variant is not present in population databases (gnomAD no frequency). This variant has not been reported in the literature in individuals affected with PSEN2-related conditions. ClinVar contains an entry for this variant (Variation ID: 1358917). An algorithm developed to predict the effect of missense changes on protein structure and function (PolyPhen-2) suggests that this variant is likely to be tolerated. In summary, the available evidence is currently insufficient to determine the role of this variant in disease. Therefore, it has been classified as a Variant of Uncertain Significance.

NM_000447.3(PSEN2):c.139T>G (p.Trp47Gly)

Gene: PSEN2 (presenilin 2; plus strand). Cytogenetic location: 1q42.13.
Variant type: single nucleotide variant.
Coding change: c.139T>G on transcript NM_000447.3 (MANE Select); coding-DNA position 139, T replaced by G.
Protein change: p.Trp47Gly; replaces tryptophan 47 with glycine.
Molecular consequence: missense variant.
Genome position (GRCh38, 1-based): chr1:226,882,046, T>G. VCF-style: chr1-226882046-T-G. GRCh37 (hg19) VCF-style: chr1-227069747-T-G.
Other names: c.139T>G, p.Trp47Gly (NM_012486.3); short protein forms W47G.
Identifiers: ClinVar variation 1358917 (VCV001358917.8), dbSNP rs2102668369, ClinGen allele CA345329442.